The following is an entry in ClinVar:

ClinVar aggregate classification (germline): Likely benign. Review status: criteria provided, multiple submitters, no conflicts (2 of 4 stars). 3 submissions from 3 submitters: Likely benign (3). Last evaluated 2024-06-11.

Conditions:
Inborn genetic diseases. Identifiers: MedGen C0950123, MeSH D030342.

Allele frequency attached by ClinVar (database versions not stated): ExAC 0.00001.
gnomAD v4.1: 1 of 1,614,148 alleles (0.000062%); highest among the groups gnomAD compares: Non-Finnish European, 0.000085%; no homozygotes.

Submissions (3):

Labcorp Genetics (formerly Invitae), Labcorp
Classification: Likely benign. Last evaluated: 2024-06-11. Review status: criteria provided, single submitter. Criteria: Invitae Variant Classification Sherloc (09022015). Collection method: clinical testing. Allele origin: germline.

CeGaT Center for Human Genetics Tuebingen
Classification: Likely benign. Last evaluated: 2024-02-01. Review status: criteria provided, single submitter. Criteria: CeGaT Center For Human Genetics Tuebingen Variant Classification Criteria Version 2. Collection method: clinical testing. Allele origin: germline. Affected: yes. Observed: 1 variant allele.
Comment: ATR: BP4, BP7

Ambry Genetics
Classification: Likely benign for Inborn genetic diseases. Last evaluated: 2023-01-29. Review status: criteria provided, single submitter. Criteria: Ambry Variant Classification Scheme 2023. Collection method: clinical testing. Allele origin: germline.

NM_001184.4(ATR):c.1011T>G (p.Leu337=)

Gene: ATR (ATR checkpoint kinase; minus strand). Cytogenetic location: 3q23.
Variant type: single nucleotide variant.
Coding change: c.1011T>G on transcript NM_001184.4 (MANE Select); coding-DNA position 1011, T replaced by G.
Protein change: p.Leu337=; no amino-acid change (leucine 337 retained).
Molecular consequence: synonymous variant.
Genome position (GRCh38, 1-based): chr3:142,562,391, A>C on the plus strand (T>G on the coding strand, the complement: ATR is on the minus strand). VCF-style: chr3-142562391-A-C. GRCh37 (hg19) VCF-style: chr3-142281233-A-C.
Other names: c.1011T>G, p.Leu337= (NM_001354579.2).
Identifiers: ClinVar variation 2496621 (VCV002496621.26), dbSNP rs779268564, ClinGen allele CA2650690.